The following is an entry in ClinVar:

ClinVar aggregate classification (germline): Likely benign (1 of 4 stars; one submission).

Conditions:
Woodhouse-Sakati syndrome. Also called: Hypogonadism, Alopecia, Diabetes Mellitus, Mental Retardation, and Extrapyramidal Syndrome; Hypogonadism, diabetes mellitus, alopecia, mental retardation and electrocardiographic abnormalities; EXTRAPYRAMIDAL DISORDER, PROGRESSIVE, WITH PRIMARY HYPOGONADISM, MENTAL RETARDATION, AND ALOPECIA. Identifiers: Orphanet 3464, MedGen C0342286, MONDO:0009419, OMIM 241080.

Allele frequency attached by ClinVar (database versions not stated): gnomAD 0.00038 and 0.00041; gnomAD exomes 0.00051 and 0.00074; ExAC 0.00158; 1000 Genomes Project 30x 0.00016; TOPMed 0.00046.
gnomAD v4.1: 220 of 454,126 alleles (0.048%); highest among the groups gnomAD compares: Middle Eastern, 0.21%; 1 homozygote.

Submission:

Illumina Laboratory Services, Illumina
Classification: Likely benign for Woodhouse-Sakati syndrome. Last evaluated: 2018-01-13. Review status: criteria provided, single submitter. Criteria: ICSL Variant Classification Criteria 13 December 2019. Collection method: clinical testing. Allele origin: germline.
Comment: This variant was observed in the ICSL laboratory as part of a predisposition screen in an ostensibly healthy population. It had not been previously curated by ICSL or reported in the Human Gene Mutation Database (HGMD: prior to June 1st, 2018), and was therefore a candidate for classification through an automated scoring system. Utilizing variant allele frequency, disease prevalence and penetrance estimates, and inheritance mode, an automated score was calculated to assess if this variant is too frequent to cause the disease. Based on the score and internal cut-off values, a variant classified as likely benign is not then subjected to further curation. The score for this variant resulted in a classification of likely benign for this disease.

NM_025000.4(DCAF17):c.*2429A>G

Gene: DCAF17 (DDB1 and CUL4 associated factor 17; plus strand). Cytogenetic location: 2q31.1.
Variant type: single nucleotide variant.
Coding change: c.*2429A>G on transcript NM_025000.4 (MANE Select); 2429 bases downstream of the stop codon, A replaced by G.
Molecular consequence: 3 prime UTR variant. On other transcripts: non-coding transcript variant (1).
Genome position (GRCh38, 1-based): chr2:171,483,543, A>G. VCF-style: chr2-171483543-A-G. GRCh37 (hg19) VCF-style: chr2-172340053-A-G.
Other names: c.*2429A>G (NM_001164821.2).
Identifiers: ClinVar variation 332301 (VCV000332301.5), dbSNP rs778932293, ClinGen allele CA1965119.